The following is an entry in ClinVar:

NM_007078.3(LDB3):c.1995C>G (p.Phe665Leu)

Gene: LDB3 (LIM domain binding 3; plus strand). Cytogenetic location: 10q23.2.
Variant type: single nucleotide variant.
Coding change: c.1995C>G on transcript NM_007078.3 (MANE Select); coding-DNA position 1995, C replaced by G.
Protein change: p.Phe665Leu; replaces phenylalanine 665 with leucine.
Molecular consequence: missense variant.
Genome position (GRCh38, 1-based): chr10:86,726,153, C>G. VCF-style: chr10-86726153-C-G. GRCh37 (hg19) VCF-style: chr10-88485910-C-G.
Other names: c.1665C>G, p.Phe555Leu (NM_001080114.2); c.2010C>G, p.Phe670Leu (NM_001171610.2); c.1806C>G, p.Phe602Leu (NM_001368064.1, NM_001368065.1); c.1854C>G, p.Phe618Leu (NM_001368066.1); short protein forms F555L, F618L, F665L, F602L, F670L.
Identifiers: ClinVar variation 2625899 (VCV002625899.2), dbSNP rs2492850647, ClinGen allele CA377456985.
Genomic context (GRCh38, chr10:86,726,153, plus strand): 5'-TGCCCCCACTGGGTGCGGGGTCTTCACTCTGCTTTTCATTTCAGACTACATCAATCTGTT[C>G]AGCACCAAGTGCCATGGCTGCGATTTCCCCGTGGAGGCTGGCGACAAGTTTATCGAAGCC-3'
Protein context (NP_009009.1, residues 655-675): PYCEKDYINL[Phe665Leu]STKCHGCDFP

ClinVar aggregate classification (germline): Uncertain significance (1 of 4 stars; one submission).

Conditions:
Cardiovascular phenotype. Identifiers: MedGen CN230736.

Submission:

Ambry Genetics
Classification: Uncertain significance for Cardiovascular phenotype. Last evaluated: 2023-09-08. Review status: criteria provided, single submitter. Criteria: Ambry Variant Classification Scheme 2023. Collection method: clinical testing. Allele origin: germline.
Comment: The p.F665L variant (also known as c.1995C>G), located in coding exon 12 of the LDB3 gene, results from a C to G substitution at nucleotide position 1995. The phenylalanine at codon 665 is replaced by leucine, an amino acid with highly similar properties. This amino acid position is conserved. In addition, this alteration is predicted to be deleterious by in silico analysis. Since supporting evidence is limited at this time, the clinical significance of this alteration remains unclear.